The following is an entry in ClinVar:

ClinVar aggregate classification (germline): Uncertain significance (1 of 4 stars; one submission).

Allele frequency attached by ClinVar (database versions not stated): gnomAD exomes below 0.00001.
gnomAD v4.1: 5 of 1,595,904 alleles (0.00031%); highest among the groups gnomAD compares: Non-Finnish European, 0.00043%; no homozygotes.

Submission:

Labcorp Genetics (formerly Invitae), Labcorp
Classification: Uncertain significance. Last evaluated: 2022-07-25. Review status: criteria provided, single submitter. Criteria: Invitae Variant Classification Sherloc (09022015). Collection method: clinical testing. Allele origin: germline.
Comment: This sequence change replaces alanine, which is neutral and non-polar, with valine, which is neutral and non-polar, at codon 151 of the COQ2 protein (p.Ala151Val). The frequency data for this variant in the population databases is considered unreliable, as metrics indicate poor data quality at this position in the gnomAD database. This variant has not been reported in the literature in individuals affected with COQ2-related conditions. Algorithms developed to predict the effect of missense changes on protein structure and function (SIFT, PolyPhen-2, Align-GVGD) all suggest that this variant is likely to be tolerated. In summary, the available evidence is currently insufficient to determine the role of this variant in disease. Therefore, it has been classified as a Variant of Uncertain Significance.

NM_001358921.2(COQ2):c.302C>T (p.Ala101Val)

Gene: COQ2 (coenzyme Q2, polyprenyltransferase; minus strand). Cytogenetic location: 4q21.23.
Variant type: single nucleotide variant.
Coding change: c.302C>T on transcript NM_001358921.2 (MANE Select); coding-DNA position 302, C replaced by T.
Protein change: p.Ala101Val; replaces alanine 101 with valine.
Molecular consequence: missense variant.
Genome position (GRCh38, 1-based): chr4:83,279,066, G>A on the plus strand (C>T on the coding strand, the complement: COQ2 is on the minus strand). VCF-style: chr4-83279066-G-A. GRCh37 (hg19) VCF-style: chr4-84200219-G-A.
Other names: c.452C>T, p.Ala151Val (NM_015697.9); short protein forms A101V, A151V.
Identifiers: ClinVar variation 2168587 (VCV002168587.1), dbSNP rs1227334537, ClinGen allele CA357230660.